The following is an entry in ClinVar:

NM_001201550.3(CFHR4):c.1180+2T>C

Gene: CFHR4 (complement factor H related 4; plus strand). Cytogenetic location: 1q31.3.
Variant type: single nucleotide variant.
Coding change: c.1180+2T>C on transcript NM_001201550.3 (MANE Select); the canonical splice donor site of the intron after coding-DNA position 1180, T replaced by C.
Molecular consequence: splice donor variant.
Genome position (GRCh38, 1-based): chr1:196,912,924, T>C. VCF-style: chr1-196912924-T-C. GRCh37 (hg19) VCF-style: chr1-196882054-T-C.
Other names: NC_000001.10:g.196882054T>C; p.?; c.439+2T>C (NM_006684.5); c.1177+2T>C (NM_001201551.2).
Identifiers: ClinVar variation 4340204 (VCV004340204.3).

ClinVar aggregate classification (germline): Conflicting classifications of pathogenicity. Review status: criteria provided, conflicting classifications (1 of 4 stars). 2 submissions from 2 submitters: Uncertain significance (1); Benign (1). Last evaluated 2025-09-15.

gnomAD v4.1: 244 of 1,610,592 alleles (0.015%); highest among the groups gnomAD compares: East Asian, 0.32%; 5 homozygotes.

Submissions (6):

Women's Health and Genetics/Laboratory Corporation of America, LabCorp
Classification: Benign. Last evaluated: 2025-09-15. Review status: criteria provided, single submitter. Criteria: LabCorp Variant Classification Summary - May 2015. Collection method: clinical testing. Allele origin: germline.
Comment: Variant summary: CFHR4 c.1180+2T>C is located in a canonical splice-site and is predicted to affect mRNA splicing resulting in a significantly altered protein due to either exon skipping, shortening, or inclusion of intronic material. Variants that disrupt the consensus splice site are a relatively common cause of aberrant splicing, however current evidence is not sufficient to establish loss of function as a mechanism for disease. Several computational tools predict a significant impact on normal splicing: Four predict the variant abolishes a 5' splicing donor site. However, these predictions have yet to be confirmed by functional studies. The variant allele was found at a frequency of 0.00046 in 246656 control chromosomes in the gnomAD database, including 1 homozygote. The observed variant frequency exceeds the estimated maximal expected allele frequency for disease-causing variants in CFHR4. To our knowledge, no experimental evidence demonstrating an impact on protein function has been reported. No submitters have cited clinical-significance assessments for this variant to ClinVar. Based on the evidence outlined above, the variant was classified as benign.

Mayo Clinic Laboratories, Mayo Clinic
Classification: Uncertain significance. Last evaluated: 2025-06-15. Review status: criteria provided, single submitter. Criteria: ACMG Guidelines, 2015. Collection method: clinical testing. Allele origin: germline. Observed: 1 variant allele.
Comment: PP3

Dr. Peter K. Rogan Lab, Western University
No classification provided (evidence only). Condition: Hepatocellular carcinoma. Review status: no classification provided. Collection method: in vitro. Allele origin: not applicable. Functional consequence: skipped exon, retained intron. Not counted in ClinVar's aggregate classification.

Dr. Peter K. Rogan Lab, Western University
No classification provided (evidence only). Condition: Hepatocellular carcinoma. Review status: no classification provided. Collection method: in vitro. Allele origin: not applicable. Functional consequence: skipped exon, retained intron. Not counted in ClinVar's aggregate classification.

Dr. Peter K. Rogan Lab, Western University
No classification provided (evidence only). Condition: Hepatocellular carcinoma. Review status: no classification provided. Collection method: in vitro. Allele origin: not applicable. Functional consequence: skipped exon. Not counted in ClinVar's aggregate classification.

Dr. Peter K. Rogan Lab, Western University
No classification provided (evidence only). Condition: Hepatocellular carcinoma. Review status: no classification provided. Collection method: in vitro. Allele origin: not applicable. Functional consequence: skipped exon. Not counted in ClinVar's aggregate classification.

Literature cited by the submitters: PubMed 37744338 (cited by Women's Health and Genetics/Laboratory Corporation of America, LabCorp and Mayo Clinic Laboratories, Mayo Clinic).